The following is an entry in ClinVar:

NM_020975.6(RET):c.1052T>C (p.Val351Ala)

Gene: RET (ret proto-oncogene; plus strand). Cytogenetic location: 10q11.21.
Variant type: single nucleotide variant.
Coding change: c.1052T>C on transcript NM_020975.6 (MANE Select); coding-DNA position 1052, T replaced by C.
Protein change: p.Val351Ala; replaces valine 351 with alanine.
Molecular consequence: missense variant. On other transcripts: intron variant (25).
Genome position (GRCh38, 1-based): chr10:43,106,560, T>C. VCF-style: chr10-43106560-T-C. GRCh37 (hg19) VCF-style: chr10-43602008-T-C.
Other names: c.625+3931T>C (NM_001406782.1, NM_001406780.1, NM_001406779.1 and 3 more transcripts); c.738+1367T>C (NM_001406774.1); c.496+3931T>C (NM_001406786.1, NM_001406783.1); c.338-2471T>C (NM_001406778.1, NM_001406775.1, NM_001406776.1 and 1 more transcripts); c.338-5539T>C (NM_001406790.1, NM_001406788.1, NM_001406789.1 and 1 more transcripts); c.74-2471T>C (NM_001406784.1); c.74-5539T>C (NM_001406794.1, NM_001406792.1, NM_001406793.1); c.764T>C, p.Val255Ala (NM_001406767.1, NM_001406770.1, NM_001406766.1); and 5 more; short protein forms V351A, V308A, V255A, V97A.
Identifiers: ClinVar variation 2762260 (VCV002762260.3), dbSNP rs749449032, ClinGen allele CA376546499.
Genomic context (GRCh38, chr10:43,106,560, plus strand): 5'-TGGAACACTGGCCCAACGAGACCTCGGTCCAGGCCAACGGCAGCTTCGTGCGGGCGACCG[T>C]ACATGACTATAGTAAGAGGGGCTGGTGGCACGGCCTGGCTAGGCCCCCAGGAAATGAGGT-3'
Protein context (NP_066124.1, residues 341-361): QANGSFVRAT[Val351Ala]HDYRLVLNRN

ClinVar aggregate classification (germline): Uncertain significance (1 of 4 stars; one submission).

Conditions:
Multiple endocrine neoplasia, type 2 (MEN2). Identifiers: Orphanet 653, MedGen C4048306, MONDO:0019003. Disease mechanism: gain of function.

Submission:

Labcorp Genetics (formerly Invitae), Labcorp
Classification: Uncertain significance for Multiple endocrine neoplasia, type 2. Last evaluated: 2024-07-19. Review status: criteria provided, single submitter. Criteria: Invitae Variant Classification Sherloc (09022015). Collection method: clinical testing. Allele origin: germline.
Comment: This sequence change replaces valine, which is neutral and non-polar, with alanine, which is neutral and non-polar, at codon 351 of the RET protein (p.Val351Ala). This variant is not present in population databases (gnomAD no frequency). This variant has not been reported in the literature in individuals affected with RET-related conditions. An algorithm developed to predict the effect of missense changes on protein structure and function (PolyPhen-2) suggests that this variant is likely to be tolerated. In summary, the available evidence is currently insufficient to determine the role of this variant in disease. Therefore, it has been classified as a Variant of Uncertain Significance.